The following is an entry in ClinVar:

ClinVar aggregate classification (germline): Uncertain significance (1 of 4 stars; one submission).

Conditions:
Long QT syndrome (LQTS). Identifiers: MedGen C0023976, MeSH D008133, MONDO:0002442. Disease mechanism: loss of function. Inheritance: Various modes of inheritance.

Submission:

Labcorp Genetics (formerly Invitae), Labcorp
Classification: Uncertain significance for Long QT syndrome. Last evaluated: 2022-10-25. Review status: criteria provided, single submitter. Criteria: Invitae Variant Classification Sherloc (09022015). Collection method: clinical testing. Allele origin: germline.
Comment: In summary, the available evidence is currently insufficient to determine the role of this variant in disease. Therefore, it has been classified as a Variant of Uncertain Significance. This sequence change replaces lysine, which is basic and polar, with glutamic acid, which is acidic and polar, at codon 63 of the CACNA1C protein (p.Lys63Glu). This variant is not present in population databases (gnomAD no frequency). This variant has not been reported in the literature in individuals affected with CACNA1C-related conditions. ClinVar contains an entry for this variant (Variation ID: 859132). Advanced modeling of protein sequence and biophysical properties (such as structural, functional, and spatial information, amino acid conservation, physicochemical variation, residue mobility, and thermodynamic stability) performed at Invitae indicates that this missense variant is not expected to disrupt CACNA1C protein function.

NM_000719.7(CACNA1C):c.187A>G (p.Lys63Glu)

Gene: CACNA1C (calcium voltage-gated channel subunit alpha1 C; plus strand). Cytogenetic location: 12p13.33.
Variant type: single nucleotide variant.
Coding change: c.187A>G on transcript NM_000719.7 (MANE Select); coding-DNA position 187, A replaced by G.
Protein change: p.Lys63Glu; replaces lysine 63 with glutamic acid.
Molecular consequence: missense variant.
Genome position (GRCh38, 1-based): chr12:2,115,361, A>G. VCF-style: chr12-2115361-A-G. GRCh37 (hg19) VCF-style: chr12-2224527-A-G.
Other names: c.187A>G, p.Lys63Glu (NM_001129827.2, NM_001129829.2, NM_001129830.3 and 19 more transcripts); short protein forms K63E.
Identifiers: ClinVar variation 859132 (VCV000859132.12), dbSNP rs1555192866, ClinGen allele CA383653109.
Genomic context (GRCh38, chr12:2,115,361, plus strand): 5'-ATCCCCACCCCGGGGGCTGCCCTGTCGTGGCAGGCGGCCATCGACGCAGCCCGGCAGGCT[A>G]AGCTGATGGGCAGCGCTGGCAATGCGACCATCTCCACAGTCAGCTCCACGCAGCGGAAGC-3'
Protein context (NP_000710.5, residues 53-73): QAAIDAARQA[Lys63Glu]LMGSAGNATI